The following is an entry in ClinVar:

NM_014908.4(DOLK):c.263T>C (p.Met88Thr)

Gene: DOLK (dolichol kinase; minus strand). Cytogenetic location: 9q34.11.
Variant type: single nucleotide variant.
Coding change: c.263T>C on transcript NM_014908.4 (MANE Select); coding-DNA position 263, T replaced by C.
Protein change: p.Met88Thr; replaces methionine 88 with threonine.
Molecular consequence: missense variant.
Genome position (GRCh38, 1-based): chr9:128,947,041, A>G on the plus strand (T>C on the coding strand, the complement: DOLK is on the minus strand). VCF-style: chr9-128947041-A-G. GRCh37 (hg19) VCF-style: chr9-131709320-A-G.
Other names: short protein forms M88T.
Identifiers: ClinVar variation 1349590 (VCV001349590.3), dbSNP rs1588262888, ClinGen allele CA375127192.

ClinVar aggregate classification (germline): Uncertain significance (1 of 4 stars; one submission).

Conditions:
DK1-congenital disorder of glycosylation. Also called: CONGENITAL DISORDER OF GLYCOSYLATION, TYPE Im; DOLK-congenital disorder of glycosylation; Carbohydrate deficient glycoprotein syndrome type 1m; DK1 DEFICIENCY; DOLICHOL KINASE DEFICIENCY; DK1-CDG. Identifiers: Orphanet 91131, MedGen C1835849, MONDO:0012556, OMIM 610768.

Allele frequency attached by ClinVar (database versions not stated): TOPMed 0.00001.

Submission:

Labcorp Genetics (formerly Invitae), Labcorp
Classification: Uncertain significance for DK1-congenital disorder of glycosylation. Last evaluated: 2021-11-05. Review status: criteria provided, single submitter. Criteria: Invitae Variant Classification Sherloc (09022015). Collection method: clinical testing. Allele origin: germline.
Comment: This sequence change replaces methionine, which is neutral and non-polar, with threonine, which is neutral and polar, at codon 88 of the DOLK protein (p.Met88Thr). This variant is not present in population databases (gnomAD no frequency). This variant has not been reported in the literature in individuals affected with DOLK-related conditions. Algorithms developed to predict the effect of missense changes on protein structure and function are either unavailable or do not agree on the potential impact of this missense change (SIFT: "Deleterious"; PolyPhen-2: "Benign"; Align-GVGD: "Class C0"). In summary, the available evidence is currently insufficient to determine the role of this variant in disease. Therefore, it has been classified as a Variant of Uncertain Significance.